The following is an entry in ClinVar:

ClinVar aggregate classification (germline): Uncertain significance. Review status: criteria provided, multiple submitters, no conflicts (2 of 4 stars). 2 submissions from 2 submitters: Uncertain significance (2). Last evaluated 2026-04-16.

gnomAD v4.1: 42 of 1,612,612 alleles (0.0026%); highest among the groups gnomAD compares: Non-Finnish European, 0.0035%; no homozygotes.

Submissions (2):

Women's Health and Genetics/Laboratory Corporation of America, LabCorp
Classification: Uncertain significance. Last evaluated: 2026-04-16. Review status: criteria provided, single submitter. Criteria: LabCorp Variant Classification Summary - May 2015. Collection method: clinical testing. Allele origin: germline.
Comment: Variant summary: TRPM7 c.5522C>A (p.Pro1841His) results in a non-conservative amino acid change in the encoded protein sequence. Algorithms developed to predict the effect of missense changes on protein structure and function are either unavailable or do not agree on the potential impact of this missense change. The variant allele was found at a frequency of 8e-06 in 249150 control chromosomes. The available data on variant occurrences in the general population are insufficient to allow any conclusion about variant significance. To our knowledge, no occurrence of c.5522C>A in individuals affected with TRPM7-related conditions and no experimental evidence demonstrating its impact on protein function have been reported. ClinVar contains an entry for this variant (Variation ID: 4191842). Based on the evidence outlined above, the variant was classified as uncertain significance.

Ambry Genetics
Classification: Uncertain significance. Last evaluated: 2025-08-05. Review status: criteria provided, single submitter. Criteria: Ambry Variant Classification Scheme 2023. Collection method: clinical testing. Allele origin: germline.

NM_017672.6(TRPM7):c.5522C>A (p.Pro1841His)

Gene: TRPM7 (transient receptor potential cation channel subfamily M member 7; minus strand). Cytogenetic location: 15q21.2.
Variant type: single nucleotide variant.
Coding change: c.5522C>A on transcript NM_017672.6 (MANE Select); coding-DNA position 5522, C replaced by A.
Protein change: p.Pro1841His; replaces proline 1841 with histidine.
Molecular consequence: missense variant. On other transcripts: non-coding transcript variant (3).
Genome position (GRCh38, 1-based): chr15:50,561,754, G>T on the plus strand (C>A on the coding strand, the complement: TRPM7 is on the minus strand). VCF-style: chr15-50561754-G-T. GRCh37 (hg19) VCF-style: chr15-50853951-G-T.
Other names: c.5519C>A, p.Pro1840His (NM_001301212.2); short protein forms P1841H, P1840H.
Identifiers: ClinVar variation 4191842 (VCV004191842.2).
Genomic context (GRCh38, chr15:50,561,754, plus strand): 5'-ACAGAATTAGTTGATTCTGATTCTTTGGTGGAATTTCCAGGCTGAAGATTCAAATCTGAA[G>T]GCTCATCCTGAGGAAATATAATTTTATCAGGCGTATAATCATTCCTCTTCAGATCTACAT-3'
Protein context (NP_060142.3, residues 1831-1851): PDKIIFPQDE[Pro1841His]SDLNLQPGNS